The following is an entry in ClinVar:

ClinVar aggregate classification (germline): Uncertain significance (1 of 4 stars; one submission).

Conditions:
Autosomal recessive limb-girdle muscular dystrophy type 2J (LGMDR10). Also called: Limb-girdle muscular dystrophy, type 2J; MUSCULAR DYSTROPHY, LIMB-GIRDLE, AUTOSOMAL RECESSIVE 10. Identifiers: Orphanet 140922, MedGen C1837342, MONDO:0012127, OMIM 608807.
Dilated cardiomyopathy 1G (CMD1G). Identifiers: Orphanet 154, MedGen C1858763, MONDO:0011400, OMIM 604145.

Allele frequency attached by ClinVar (database versions not stated): gnomAD exomes below 0.00001; gnomAD 0.00001; TOPMed 0.00001.
gnomAD v4.1: 5 of 1,613,304 alleles (0.00031%); highest among the groups gnomAD compares: African/African-American, 0.0013%; no homozygotes.

Submission:

Labcorp Genetics (formerly Invitae), Labcorp
Classification: Uncertain significance for Dilated cardiomyopathy 1G; Autosomal recessive limb-girdle muscular dystrophy type 2J. Last evaluated: 2019-01-02. Review status: criteria provided, single submitter. Criteria: Invitae Variant Classification Sherloc (09022015). Collection method: clinical testing. Allele origin: germline.
Comment: This variant is located in the A band of TTN (PMID: 25589632). Variants in this region may be relevant for cardiac or neuromuscular disorders (PMID: 25589632, 23975875). Algorithms developed to predict the effect of missense changes on protein structure and function are unavailable for the TTN gene. In summary, the available evidence is currently insufficient to determine the role of this variant in disease. Therefore, it has been classified as a Variant of Uncertain Significance. This variant is not present in population databases (ExAC no frequency). This sequence change replaces histidine with arginine at codon 22893 of the TTN protein (p.His22893Arg). There is a small physicochemical difference between histidine and arginine.

Literature cited by the submitters: PubMed 25589632; PubMed 23975875.

NM_001267550.2(TTN):c.68678A>G (p.His22893Arg)

Genes: TTN-AS1 (TTN antisense RNA 1; plus strand), TTN (titin; minus strand). Cytogenetic location: 2q31.2.
Variant type: single nucleotide variant.
Coding change: c.68678A>G on transcript NM_001267550.2 (MANE Select); coding-DNA position 68678, A replaced by G.
Protein change: p.His22893Arg; replaces histidine 22893 with arginine.
Molecular consequence: missense variant.
Genome position (GRCh38, 1-based): chr2:178,577,748, T>C on the plus strand (A>G on the coding strand, the complement: TTN is on the minus strand). VCF-style: chr2-178577748-T-C. GRCh37 (hg19) VCF-style: chr2-179442475-T-C.
Other names: c.63755A>G, p.His21252Arg (NM_001256850.1); c.41483A>G, p.His13828Arg (NM_003319.4); c.60974A>G, p.His20325Arg (NM_133378.4); c.41858A>G, p.His13953Arg (NM_133432.3); c.42059A>G, p.His14020Arg (NM_133437.4); short protein forms H21252R, H13828R, H13953R, H20325R, H14020R, H22893R.
Identifiers: ClinVar variation 842876 (VCV000842876.8), dbSNP rs1039583705, ClinGen allele CA61005164.
Genomic context (GRCh38, chr2:178,577,748, plus strand): 5'-TCATATTTTCCACCCTCAACAAGGTCAGTTACAGTAAAGGCACATTCTGGGACATTAACA[T>C]GGTTGGCTTTCATCCAAGACTTCGAAGGTAGATCTCGCTTCTCCACTATATATCCAGTTA-3'
Protein context (NP_001254479.2, residues 22883-22903): LPSKSWMKAN[His22893Arg]VNVPECAFTV